The following is an entry in ClinVar:

NM_013432.5(TONSL):c.710A>G (p.Lys237Arg)

Gene: TONSL (tonsoku like, DNA repair protein; minus strand). Cytogenetic location: 8q24.3.
Variant type: single nucleotide variant.
Coding change: c.710A>G on transcript NM_013432.5 (MANE Select); coding-DNA position 710, A replaced by G.
Protein change: p.Lys237Arg; replaces lysine 237 with arginine.
Molecular consequence: missense variant.
Genome position (GRCh38, 1-based): chr8:144,442,281, T>C on the plus strand (A>G on the coding strand, the complement: TONSL is on the minus strand). VCF-style: chr8-144442281-T-C. GRCh37 (hg19) VCF-style: chr8-145667664-T-C.
Other names: c.710A>G (NM_013432.4); short protein forms K237R.
Identifiers: ClinVar variation 1649887 (VCV001649887.12), dbSNP rs145201012, ClinGen allele CA4943543.

ClinVar aggregate classification (germline): Conflicting classifications of pathogenicity. Review status: criteria provided, conflicting classifications (1 of 4 stars). 4 submissions from 4 submitters: Uncertain significance (1); Likely benign (2). 1 of the submissions does not count toward it. Last evaluated 2025-12-03.

Conditions:
Inborn genetic diseases. Identifiers: MedGen C0950123, MeSH D030342.
TONSL-related disorder. Also called: TONSL-related condition.

Allele frequency attached by ClinVar (database versions not stated): gnomAD exomes 0.00007 and 0.00019; ExAC 0.00021; 1000 Genomes Project 0.00040; 1000 Genomes Project 30x 0.00062; gnomAD 0.00076 and 0.00086; ESP Exome Variant Server 0.00100; TOPMed 0.00103.
gnomAD v4.1: 225 of 1,596,246 alleles (0.014%); highest among the groups gnomAD compares: African/African-American, 0.27%; no homozygotes.

Submissions (4):

Labcorp Genetics (formerly Invitae), Labcorp
Classification: Likely benign. Last evaluated: 2025-12-03. Review status: criteria provided, single submitter. Criteria: Invitae Variant Classification Sherloc (09022015). Collection method: clinical testing. Allele origin: germline.

Ambry Genetics
Classification: Uncertain significance for Inborn genetic diseases. Last evaluated: 2025-01-17. Review status: criteria provided, single submitter. Criteria: Ambry Variant Classification Scheme 2023. Collection method: clinical testing. Allele origin: germline.

Breakthrough Genomics
Classification: Likely benign. Review status: criteria provided, single submitter. Criteria: ACMG Guidelines, 2015. Collection method: not provided. Allele origin: germline. Inheritance: Autosomal recessive inheritance. Affected: yes.

PreventionGenetics, part of Exact Sciences
Classification: Likely benign for TONSL-related condition. Last evaluated: 2023-07-16. Review status: no assertion criteria provided. Collection method: clinical testing. Allele origin: germline. Not counted in ClinVar's aggregate classification.
Comment: This variant is classified as likely benign based on ACMG/AMP sequence variant interpretation guidelines (Richards et al. 2015 PMID: 25741868, with internal and published modifications).